The following is an entry in ClinVar:

ClinVar aggregate classification (germline): Uncertain significance (1 of 4 stars; one submission).

Conditions:
Early-infantile DEE. Also called: Ohtahara syndrome; Early infantile epileptic encephalopathy with suppression bursts; Early infantile epileptic encephalopathy. Identifiers: Orphanet 1934, MedGen C0393706, MONDO:0800491.

Submission:

Labcorp Genetics (formerly Invitae), Labcorp
Classification: Uncertain significance for Early-infantile DEE. Last evaluated: 2023-06-05. Review status: criteria provided, single submitter. Criteria: Invitae Variant Classification Sherloc (09022015). Collection method: clinical testing. Allele origin: germline.
Comment: This sequence change replaces isoleucine, which is neutral and non-polar, with leucine, which is neutral and non-polar, at codon 245 of the SCN8A protein (p.Ile245Leu). This variant is not present in population databases (gnomAD no frequency). This variant has not been reported in the literature in individuals affected with SCN8A-related conditions. ClinVar contains an entry for this variant (Variation ID: 2092256). Advanced modeling of protein sequence and biophysical properties (such as structural, functional, and spatial information, amino acid conservation, physicochemical variation, residue mobility, and thermodynamic stability) performed at Invitae indicates that this missense variant is expected to disrupt SCN8A protein function. In summary, the available evidence is currently insufficient to determine the role of this variant in disease. Therefore, it has been classified as a Variant of Uncertain Significance.

NM_001330260.2(SCN8A):c.733A>C (p.Ile245Leu)

Gene: SCN8A (sodium voltage-gated channel alpha subunit 8; plus strand). Cytogenetic location: 12q13.13.
Variant type: single nucleotide variant.
Coding change: c.733A>C on transcript NM_001330260.2 (MANE Select); coding-DNA position 733, A replaced by C.
Protein change: p.Ile245Leu; replaces isoleucine 245 with leucine.
Molecular consequence: missense variant.
Genome position (GRCh38, 1-based): chr12:51,699,596, A>C. VCF-style: chr12-51699596-A-C. GRCh37 (hg19) VCF-style: chr12-52093380-A-C.
Other names: c.733A>C, p.Ile245Leu (NM_001177984.3, NM_001369788.1, NM_014191.4); short protein forms I245L.
Identifiers: ClinVar variation 2092256 (VCV002092256.4), dbSNP rs2540172653, ClinGen allele CA385226399.